The following is an entry in ClinVar:

NM_002206.3(ITGA7):c.3335C>G (p.Pro1112Arg)

Gene: ITGA7 (integrin subunit alpha 7; minus strand). Cytogenetic location: 12q13.2.
Variant type: single nucleotide variant.
Coding change: c.3335C>G on transcript NM_002206.3 (MANE Select); coding-DNA position 3335, C replaced by G.
Protein change: p.Pro1112Arg; replaces proline 1112 with arginine.
Molecular consequence: missense variant.
Genome position (GRCh38, 1-based): chr12:55,685,137, G>C on the plus strand (C>G on the coding strand, the complement: ITGA7 is on the minus strand). VCF-style: chr12-55685137-G-C. GRCh37 (hg19) VCF-style: chr12-56078921-G-C.
Other names: c.3347C>G, p.Pro1116Arg (NM_001144996.2); c.3056C>G, p.Pro1019Arg (NM_001144997.2); c.3008C>G, p.Pro1003Arg (NM_001367993.1); c.1991C>G, p.Pro664Arg (NM_001367994.1); c.3317C>G, p.Pro1106Arg (NM_001374465.1); c.3467C>G, p.Pro1156Arg (NM_001410977.1); c.3329C>G, p.Pro1110Arg (NM_001414029.1); c.3260C>G, p.Pro1087Arg (NM_001414030.1); and 5 more; short protein forms P1019R, P1112R, P664R, P1106R, P1003R, P1116R, P1156R, P1072R.
Identifiers: ClinVar variation 1040833 (VCV001040833.8), dbSNP rs146183145, ClinGen allele CA385180108.

ClinVar aggregate classification (germline): Uncertain significance (1 of 4 stars; one submission).

Conditions:
Congenital muscular dystrophy due to integrin alpha-7 deficiency. Also called: MYOPATHY, CONGENITAL, DUE TO INTEGRIN ALPHA-7 DEFICIENCY; Congenital muscular dystrophy with integrin alpha-7 deficiency; Muscular dystrophy, congenital, due to ITGA7 deficiency. Identifiers: Orphanet 34520, MedGen C2750786, MONDO:0013177, OMIM 613204.

Allele frequency attached by ClinVar (database versions not stated): TOPMed 0.00001.
gnomAD v4.1: 6 of 1,613,406 alleles (0.00037%); highest among the groups gnomAD compares: Non-Finnish European, 0.00051%; no homozygotes.

Submission:

Labcorp Genetics (formerly Invitae), Labcorp
Classification: Uncertain significance for Congenital muscular dystrophy due to integrin alpha-7 deficiency. Last evaluated: 2022-09-07. Review status: criteria provided, single submitter. Criteria: Invitae Variant Classification Sherloc (09022015). Collection method: clinical testing. Allele origin: germline.
Comment: This variant is not present in population databases (gnomAD no frequency). In summary, the available evidence is currently insufficient to determine the role of this variant in disease. Therefore, it has been classified as a Variant of Uncertain Significance. Algorithms developed to predict the effect of missense changes on protein structure and function are either unavailable or do not agree on the potential impact of this missense change (SIFT: "Deleterious"; PolyPhen-2: "Possibly Damaging"; Align-GVGD: "Class C0"). ClinVar contains an entry for this variant (Variation ID: 1040833). This variant has not been reported in the literature in individuals affected with ITGA7-related conditions. This sequence change replaces proline, which is neutral and non-polar, with arginine, which is basic and polar, at codon 1112 of the ITGA7 protein (p.Pro1112Arg).